The following is an entry in ClinVar:

ClinVar aggregate classification (germline): Uncertain significance (1 of 4 stars; one submission).

Submission:

Labcorp Genetics (formerly Invitae), Labcorp
Classification: Uncertain significance. Last evaluated: 2025-08-20. Review status: criteria provided, single submitter. Criteria: Invitae Variant Classification Sherloc (09022015). Collection method: clinical testing. Allele origin: germline.
Comment: This sequence change replaces glycine, which is neutral and non-polar, with aspartic acid, which is acidic and polar, at codon 203 of the HNF4A protein (p.Gly203Asp). This variant is not present in population databases (gnomAD no frequency). This missense change has been observed in individual(s) with maturity-onset diabetes of the young (PMID: 23348805). Invitae Evidence Modeling of protein sequence and biophysical properties (such as structural, functional, and spatial information, amino acid conservation, physicochemical variation, residue mobility, and thermodynamic stability) has been performed for this missense variant. However, the output from this modeling did not meet the statistical confidence thresholds required to predict the impact of this variant on HNF4A protein function. In summary, the available evidence is currently insufficient to determine the role of this variant in disease. Therefore, it has been classified as a Variant of Uncertain Significance.

Literature cited by the submitters: PubMed 23348805.

NM_175914.5(HNF4A):c.608G>A (p.Gly203Asp)

Gene: HNF4A (hepatocyte nuclear factor 4 alpha; plus strand). Cytogenetic location: 20q13.12.
Variant type: single nucleotide variant.
Coding change: c.608G>A on transcript NM_175914.5 (MANE Select); coding-DNA position 608, G replaced by A.
Protein change: p.Gly203Asp; replaces glycine 203 with aspartic acid.
Molecular consequence: missense variant.
Genome position (GRCh38, 1-based): chr20:44,418,450, G>A. VCF-style: chr20-44418450-G-A. GRCh37 (hg19) VCF-style: chr20-43047090-G-A.
Other names: c.674G>A, p.Gly225Asp (NM_000457.6, NM_178849.3, NM_178850.3); c.608G>A, p.Gly203Asp (NM_001030003.3, NM_001030004.3); c.653G>A, p.Gly218Asp (NM_001258355.2); c.599G>A, p.Gly200Asp (NM_001287182.2, NM_001287183.2, NM_001287184.2); short protein forms G200D, G225D, G203D, G218D.
Identifiers: ClinVar variation 4710583 (VCV004710583.1).